The following is an entry in ClinVar:

ClinVar aggregate classification (germline): Uncertain significance (1 of 4 stars; one submission).

Conditions:
Hereditary breast ovarian cancer syndrome. Also called: Hereditary breast and ovarian cancer; Hereditary breast and ovarian cancer syndrome; Breast and ovarian cancer; BRCA1- and BRCA2-Associated Hereditary Breast and Ovarian Cancer; Hereditary breast and/or ovarian cancer syndrome; Hereditary breast and ovarian cancer syndrome (HBOC). Identifiers: Orphanet 145, MedGen C0677776, MeSH D061325, MONDO:0003582. Disease mechanism: loss of function.

Submission:

Labcorp Genetics (formerly Invitae), Labcorp
Classification: Uncertain significance for Hereditary breast ovarian cancer syndrome. Last evaluated: 2022-02-25. Review status: criteria provided, single submitter. Criteria: Invitae Variant Classification Sherloc (09022015). Collection method: clinical testing. Allele origin: germline.
Comment: Algorithms developed to predict the effect of missense changes on protein structure and function (SIFT, PolyPhen-2, Align-GVGD) all suggest that this variant is likely to be disruptive. This variant has not been reported in the literature in individuals affected with BRCA2-related conditions. This variant is not present in population databases (gnomAD no frequency). This sequence change replaces leucine, which is neutral and non-polar, with proline, which is neutral and non-polar, at codon 2540 of the BRCA2 protein (p.Leu2540Pro). In summary, the available evidence is currently insufficient to determine the role of this variant in disease. Therefore, it has been classified as a Variant of Uncertain Significance.

NM_000059.4(BRCA2):c.7619T>C (p.Leu2540Pro)

Gene: BRCA2 (BRCA2 DNA repair associated; plus strand). Cytogenetic location: 13q13.1.
Variant type: single nucleotide variant.
Coding change: c.7619T>C on transcript NM_000059.4 (MANE Select); coding-DNA position 7619, T replaced by C.
Protein change: p.Leu2540Pro; replaces leucine 2540 with proline.
Molecular consequence: missense variant.
Genome position (GRCh38, 1-based): chr13:32,357,743, T>C. VCF-style: chr13-32357743-T-C. GRCh37 (hg19) VCF-style: chr13-32931880-T-C.
Other names: c.7523T>C, p.Leu2508Pro (NM_001406719.1); c.7619T>C, p.Leu2540Pro (NM_001406720.1); c.2687T>C, p.Leu896Pro (NM_001406721.1); c.1202T>C, p.Leu401Pro (NM_001406722.1); short protein forms L401P, L2508P, L896P, L2540P.
Identifiers: ClinVar variation 2103515 (VCV002103515.4), dbSNP rs2137566045, ClinGen allele CA387744759.